The following is an entry in ClinVar:

ClinVar aggregate classification (germline): Pathogenic. Review status: criteria provided, single submitter (1 of 4 stars). 2 submissions from 2 submitters: Pathogenic (1). 1 of the submissions does not count toward it. Last evaluated 2023-04-09.

Conditions:
Pulmonary hypertension, primary, 1 (PPH1). Also called: Pulmonary hypertension, familial primary, 1, with or without HHT. Identifiers: Orphanet 422, MedGen C4552070, MONDO:0024533, OMIM 178600.
Primary pulmonary hypertension. Also called: Idiopathic pulmonary hypertension. Identifiers: MedGen C0152171.

Submissions (2):

Labcorp Genetics (formerly Invitae), Labcorp
Classification: Pathogenic for Primary pulmonary hypertension. Last evaluated: 2023-04-09. Review status: criteria provided, single submitter. Criteria: Invitae Variant Classification Sherloc (09022015). Collection method: clinical testing. Allele origin: germline.
Comment: This sequence change creates a premature translational stop signal (p.Tyr113*) in the BMPR2 gene. It is expected to result in an absent or disrupted protein product. Loss-of-function variants in BMPR2 are known to be pathogenic (PMID: 16429395). This variant is not present in population databases (gnomAD no frequency). This premature translational stop signal has been observed in individual(s) with pulmonary hypertension (PMID: 23675998). ClinVar contains an entry for this variant (Variation ID: 425760). For these reasons, this variant has been classified as Pathogenic.

Rare Disease Genomics Group, St George's University of London
Classification: Pathogenic for Primary pulmonary hypertension. Review status: no assertion criteria provided. Collection method: literature only. Allele origin: germline. Affected: yes. Not counted in ClinVar's aggregate classification.

Literature cited by the submitters: PubMed 16429395 (cited by Labcorp Genetics (formerly Invitae), Labcorp); PubMed 23675998 (cited by Labcorp Genetics (formerly Invitae), Labcorp and Rare Disease Genomics Group, St George's University of London); PubMed 23579436 (cited by Rare Disease Genomics Group, St George's University of London).

NM_001204.7(BMPR2):c.338dup (p.Tyr113Ter)

Gene: BMPR2 (bone morphogenetic protein receptor type 2; plus strand). Cytogenetic location: 2q33.1.
Variant type: Duplication.
Coding change: c.338dup on transcript NM_001204.7 (MANE Select); coding-DNA position 338, one base duplicated (A; older notation c.338dupA).
Protein change: p.Tyr113Ter; replaces tyrosine 113 with a stop codon.
Molecular consequence: nonsense.
Genome position (GRCh38, 1-based): chr2:202,467,609, A duplicated. VCF-style (leftmost placement, unchanged base first): chr2-202467608-T-TA. GRCh37 (hg19) VCF-style: chr2-203332331-T-TA.
Other names: c.338dup, p.Y113* (LRG_712t1); c.338dupA (NM_001204.6); short protein forms Y113*.
Identifiers: ClinVar variation 425760 (VCV000425760.4), dbSNP rs1085307210, ClinGen allele CA645294008.